The following is an entry in ClinVar:

ClinVar aggregate classification (germline): Likely pathogenic (1 of 4 stars; one submission).

Conditions:
Rare isolated myopia. Identifiers: Orphanet 98619, MedGen C4751232.

Allele frequency attached by ClinVar (database versions not stated): ExAC below 0.00001; gnomAD exomes below 0.00001 and 0.00001.

Submission:

Laboratory for Molecular Medicine, Mass General Brigham Personalized Medicine
Classification: Likely pathogenic for Rare isolated myopia. Last evaluated: 2016-05-16. Review status: criteria provided, single submitter. Criteria: LMM Criteria. Collection method: clinical testing. Allele origin: germline. Inheritance: Autosomal recessive inheritance. Observed: 1 variant allele.
Comment: The p.Gln61X variant in LRPAP1 has not been previously reported in the literatur e and data from large population studies is insufficient to assess the frequency of this variant. This nonsense variant leads to a premature termination codon a t position 61, which is predicted to lead to a truncated or absent protein. Bial lelic loss of function of the LRPAP1 gene has been reported in 8 families with n on-syndromic myopia (Aldahmesh 2013, Jiang 2015, Khan 2016). In summary, althoug h additional studies are required to fully establish its clinical significance, the p.Gln61X variant is likely pathogenic for myopia in an autosomal recessive m anner based on its predicted functional impact.

Literature cited by the submitters: PubMed 23830514; PubMed 25525168; PubMed 26271838.

NM_002337.4(LRPAP1):c.181C>T (p.Gln61Ter)

Genes: LRPAP1 (LDL receptor related protein associated protein 1; minus strand), LOC129992120 (ATAC-STARR-seq lymphoblastoid active region 21225; plus strand). Cytogenetic location: 4p16.3.
Variant type: single nucleotide variant.
Coding change: c.181C>T on transcript NM_002337.4 (MANE Select); coding-DNA position 181, C replaced by T.
Protein change: p.Gln61Ter; replaces glutamine 61 with a stop codon.
Molecular consequence: nonsense.
Genome position (GRCh38, 1-based): chr4:3,532,232, G>A on the plus strand (C>T on the coding strand, the complement: LRPAP1 is on the minus strand). VCF-style: chr4-3532232-G-A. GRCh37 (hg19) VCF-style: chr4-3533959-G-A.
Other names: short protein forms Q61*.
Identifiers: ClinVar variation 505006 (VCV000505006.4), dbSNP rs773243225, ClinGen allele CA2830155.
Genomic context (GRCh38, chr4:3,532,232, plus strand): 5'-CCCAGGCCCCGCTCCACCGACCGCGGGCCGCGCTCACTCGCTGGGCCTTCTCCCACAGCT[G>A]GTTCAACTTCTCCATGCGGAACTCCTCTCCGGACTCGCGTTTCGGGGACGGCTTGGGCTG-3'